The following is an entry in ClinVar:

ClinVar aggregate classification (germline): Uncertain significance (1 of 4 stars; one submission).

Conditions:
RFX7-related disorder. Also called: RFX7-related condition.

Submission:

PreventionGenetics, part of Exact Sciences
Classification: Uncertain significance for RFX7-related condition. Last evaluated: 2024-10-24. Review status: criteria provided, single submitter. Criteria: ACMG Guidelines, 2015. Collection method: clinical testing. Allele origin: germline.
Comment: The RFX7 c.2371T>A variant is predicted to result in the amino acid substitution p.Phe791Ile. To our knowledge, this variant has not been reported in the literature or in a large population database (gnomAD), indicating this variant is rare. At this time, the clinical significance of this variant is uncertain due to the absence of conclusive functional and genetic evidence.

NM_022841.7(RFX7):c.2371T>A (p.Phe791Ile)

Gene: RFX7 (regulatory factor X7; minus strand). Cytogenetic location: 15q21.3.
Variant type: single nucleotide variant.
Coding change: c.2371T>A on transcript NM_022841.7 (MANE Select); coding-DNA position 2371, T replaced by A.
Protein change: p.Phe791Ile; replaces phenylalanine 791 with isoleucine.
Molecular consequence: missense variant.
Genome position (GRCh38, 1-based): chr15:56,095,357, A>T on the plus strand (T>A on the coding strand, the complement: RFX7 is on the minus strand). VCF-style: chr15-56095357-A-T. GRCh37 (hg19) VCF-style: chr15-56387555-A-T.
Other names: c.2080T>A, p.Phe694Ile (NM_001368073.2, NM_001368074.1, NM_001370554.1); c.2371T>A, p.Phe791Ile (NM_001370561.1); short protein forms F694I, F791I.
Identifiers: ClinVar variation 4985122 (VCV004985122.1).
Genomic context (GRCh38, chr15:56,095,357, plus strand): 5'-AGTGCTCAGGAATTGTCATAACACTGATATCTTGCTGTTGTTCACAACTGGCAGATATAA[A>T]CTCAGAATCTTTAGTGATTTGTTGCCATCCATTTGGATTAAAGCTGCCAACTGACTTTGA-3'
Protein context (NP_073752.6, residues 781-801): GWQQITKDSE[Phe791Ile]ISASCEQQQD